The following is an entry in ClinVar:

NM_015175.3(NBEAL2):c.4287G>A (p.Ser1429=)

Gene: NBEAL2 (neurobeachin like 2; plus strand). Cytogenetic location: 3p21.31.
Variant type: single nucleotide variant.
Coding change: c.4287G>A on transcript NM_015175.3 (MANE Select); coding-DNA position 4287, G replaced by A.
Protein change: p.Ser1429=; no amino-acid change (serine 1429 retained).
Molecular consequence: synonymous variant.
Genome position (GRCh38, 1-based): chr3:47,000,386, G>A. VCF-style: chr3-47000386-G-A. GRCh37 (hg19) VCF-style: chr3-47041876-G-A.
Other names: c.4185G>A, p.Ser1395= (NM_001365116.2).
Identifiers: ClinVar variation 4978592 (VCV004978592.1).

ClinVar aggregate classification (germline): Likely benign (1 of 4 stars; one submission).

Conditions:
NBEAL2-related disorder. Also called: NBEAL2-related condition.

gnomAD v4.1: 20 of 1,575,188 alleles (0.0013%); highest among the groups gnomAD compares: Admixed American, 0.0086%; no homozygotes.

Submission:

PreventionGenetics, part of Exact Sciences
Classification: Likely benign for NBEAL2-related condition. Last evaluated: 2025-05-09. Review status: criteria provided, single submitter. Criteria: ACMG Guidelines, 2015. Collection method: clinical testing. Allele origin: germline.
Comment: This variant is classified as likely benign based on ACMG/AMP sequence variant interpretation guidelines (Richards et al. 2015 PMID: 25741868, with internal and published modifications).